The following is an entry in ClinVar:

ClinVar aggregate classification (germline): Uncertain significance. Review status: criteria provided, single submitter (1 of 4 stars). 2 submissions from 2 submitters: Uncertain significance (1). 1 of the submissions does not count toward it. Last evaluated 2025-07-20.

Conditions:
DLX6-related disorder. Also called: DLX6-related condition.

Submissions (2):

Labcorp Genetics (formerly Invitae), Labcorp
Classification: Uncertain significance. Last evaluated: 2025-07-20. Review status: criteria provided, single submitter. Criteria: Invitae Variant Classification Sherloc (09022015). Collection method: clinical testing. Allele origin: germline.
Comment: This variant, c.93_98del, results in the deletion of 2 amino acid(s) of the DLX6 protein (p.Gln43_Gln44del), but otherwise preserves the integrity of the reading frame. The frequency data for this variant in the population databases is considered unreliable, as metrics indicate poor data quality at this position in the gnomAD database. This variant has not been reported in the literature in individuals affected with DLX6-related conditions. Experimental studies and prediction algorithms are not available or were not evaluated, and the functional significance of this variant is currently unknown. In summary, the available evidence is currently insufficient to determine the role of this variant in disease. Therefore, it has been classified as a Variant of Uncertain Significance.

PreventionGenetics, part of Exact Sciences
Classification: Benign for DLX6-related condition. Last evaluated: 2020-06-11. Review status: no assertion criteria provided. Collection method: clinical testing. Allele origin: germline. Not counted in ClinVar's aggregate classification.
Comment: This variant is classified as benign based on ACMG/AMP sequence variant interpretation guidelines (Richards et al. 2015 PMID: 25741868, with internal and published modifications).

NM_005222.4(DLX6):c.75GCA[6] (p.Gln43_Gln44del)

Genes: DLX6 (distal-less homeobox 6; plus strand), DLX6-AS1 (DLX6 antisense RNA 1; minus strand). Cytogenetic location: 7q21.3.
Variant type: Microsatellite.
Coding change: c.75GCA[6] on transcript NM_005222.4 (MANE Select); six copies in a row of the 3-base unit GCA starting at c.75; the reference has eight copies in a row; two copies, 6 bases deleted.
Protein change: p.Gln43_Gln44del.
Molecular consequence: inframe deletion.
Genome position (GRCh38, 1-based): chr7:97,006,070-97,006,075, GCAGCA deleted; deleting any 6 consecutive bases within chr7:97,006,052-97,006,075 gives the same sequence; the position shown is the placement nearest the transcript's 3' end. VCF-style (leftmost placement, unchanged base first): chr7-97006051-GGCAGCA-G. GRCh37 (hg19) VCF-style: chr7-96635363-GGCAGCA-G.
Other names: c.93_98del6 (NM_005222.3).
Identifiers: ClinVar variation 2041393 (VCV002041393.6), dbSNP rs530625473, ClinGen allele CA4353682.